The following is an entry in ClinVar:

ClinVar aggregate classification (germline): Uncertain significance (1 of 4 stars; one submission).

Submission:

GeneDx
Classification: Uncertain significance. Last evaluated: 2025-06-06. Review status: criteria provided, single submitter. Criteria: GeneDx Variant Classification Process June 2021. Collection method: clinical testing. Allele origin: germline.
Comment: Not observed at significant frequency in large population cohorts (gnomAD); In silico analysis supports that this missense variant has a deleterious effect on protein structure/function; Has not been previously published as pathogenic or benign to our knowledge

NM_003403.5(YY1):c.1082G>A (p.Gly361Glu)

Gene: YY1 (YY1 transcription factor; plus strand). Cytogenetic location: 14q32.2.
Variant type: single nucleotide variant.
Coding change: c.1082G>A on transcript NM_003403.5 (MANE Select); coding-DNA position 1082, G replaced by A.
Protein change: p.Gly361Glu; replaces glycine 361 with glutamic acid.
Molecular consequence: missense variant.
Genome position (GRCh38, 1-based): chr14:100,277,437, G>A. VCF-style: chr14-100277437-G-A. GRCh37 (hg19) VCF-style: chr14-100743774-G-A.
Other names: short protein forms G361E.
Identifiers: ClinVar variation 3361273 (VCV003361273.2).